The following is an entry in ClinVar:

ClinVar aggregate classification (germline): Uncertain significance (1 of 4 stars; one submission).

Conditions:
CHARGE syndrome (CHARGE). Also called: Hittner Hirsch Kreh syndrome; CHARGE ASSOCIATION--COLOBOMA, HEART ANOMALY, CHOANAL ATRESIA, RETARDATION, GENITAL AND EAR ANOMALIES; Coloboma, heart anomaly, choanal atresia, retardation, genital and ear anomalies; CHARGE association; Hall-Hittner syndrome. Identifiers: Orphanet 138, MedGen C0265354, MONDO:0008965.

gnomAD v4.1: 1 of 1,569,082 alleles (0.000064%); highest among the groups gnomAD compares: Non-Finnish European, 0.000087%; no homozygotes.

Submission:

Labcorp Genetics (formerly Invitae), Labcorp
Classification: Uncertain significance for CHARGE syndrome. Last evaluated: 2022-12-13. Review status: criteria provided, single submitter. Criteria: Invitae Variant Classification Sherloc (09022015). Collection method: clinical testing. Allele origin: germline.
Comment: This sequence change replaces proline, which is neutral and non-polar, with alanine, which is neutral and non-polar, at codon 2683 of the CHD7 protein (p.Pro2683Ala). This variant is not present in population databases (gnomAD no frequency). This variant has not been reported in the literature in individuals affected with CHD7-related conditions. Advanced modeling of protein sequence and biophysical properties (such as structural, functional, and spatial information, amino acid conservation, physicochemical variation, residue mobility, and thermodynamic stability) performed at Invitae indicates that this missense variant is not expected to disrupt CHD7 protein function. In summary, the available evidence is currently insufficient to determine the role of this variant in disease. Therefore, it has been classified as a Variant of Uncertain Significance.

NM_017780.4(CHD7):c.8047C>G (p.Pro2683Ala)

Gene: CHD7 (chromodomain helicase DNA binding protein 7; plus strand). Cytogenetic location: 8q12.2.
Variant type: single nucleotide variant.
Coding change: c.8047C>G on transcript NM_017780.4 (MANE Select); coding-DNA position 8047, C replaced by G.
Protein change: p.Pro2683Ala; replaces proline 2683 with alanine.
Molecular consequence: missense variant.
Genome position (GRCh38, 1-based): chr8:60,862,623, C>G. VCF-style: chr8-60862623-C-G. GRCh37 (hg19) VCF-style: chr8-61775182-C-G.
Other names: c.1900C>G, p.Pro634Ala (NM_001316690.1); short protein forms P2683A, P634A.
Identifiers: ClinVar variation 2871328 (VCV002871328.3), dbSNP rs201319489, ClinGen allele CA371305928.